The following is an entry in ClinVar:

NM_000240.4(MAOA):c.494G>C (p.Cys165Ser)

Gene: MAOA (monoamine oxidase A; plus strand). Cytogenetic location: Xp11.3.
Variant type: single nucleotide variant.
Coding change: c.494G>C on transcript NM_000240.4 (MANE Select); coding-DNA position 494, G replaced by C.
Protein change: p.Cys165Ser; replaces cysteine 165 with serine.
Molecular consequence: missense variant.
Genome position (GRCh38, 1-based): chrX:43,712,787, G>C. VCF-style: chrX-43712787-G-C. GRCh37 (hg19) VCF-style: chrX-43572034-G-C.
Other names: c.95G>C, p.Cys32Ser (NM_001270458.2); short protein forms C165S, C32S.
Identifiers: ClinVar variation 3381502 (VCV003381502.2).

ClinVar aggregate classification (germline): Uncertain significance (1 of 4 stars; one submission).

Submission:

GeneDx
Classification: Uncertain significance. Last evaluated: 2026-07-16. Review status: criteria provided, single submitter. Criteria: GeneDx Variant Classification Process June 2021. Collection method: clinical testing. Allele origin: germline.
Comment: Not observed at significant frequency in large population cohorts (gnomAD); In silico analysis supports that this missense variant has a deleterious effect on protein structure/function; Has not been previously published as pathogenic or benign to our knowledge